The following is an entry in ClinVar:

NM_014780.5(CUL7):c.687G>A (p.Thr229=)

Gene: CUL7 (cullin 7; minus strand). Cytogenetic location: 6p21.1.
Variant type: single nucleotide variant.
Coding change: c.687G>A on transcript NM_014780.5 (MANE Select); coding-DNA position 687, G replaced by A.
Protein change: p.Thr229=; no amino-acid change (threonine 229 retained).
Molecular consequence: synonymous variant.
Genome position (GRCh38, 1-based): chr6:43,051,657, C>T on the plus strand (G>A on the coding strand, the complement: CUL7 is on the minus strand). VCF-style: chr6-43051657-C-T. GRCh37 (hg19) VCF-style: chr6-43019395-C-T.
Other names: c.783G>A, p.Thr261= (NM_001168370.2, NM_001374872.1); c.687G>A, p.Thr229= (NM_001374873.1, NM_001374874.1).
Identifiers: ClinVar variation 756424 (VCV000756424.12), dbSNP rs192945321, ClinGen allele CA3814329.
Genomic context (GRCh38, chr6:43,051,657, plus strand): 5'-ACCCCCAAAGGTTACCTGTGGTAGCTGAATGCCCTCGAAAGACATGGGGTGTTCAGAGAG[C>T]GTGGCCTGTGCAAACAGTGCTAGCAGAGCACAGCGGCTGTCAAAATCCAGGTGTTTCTCA-3'
Protein context (NP_055595.2, residues 219-239): CALLALFAQA[Thr229=]LSEHPMSFEG

ClinVar aggregate classification (germline): Benign/Likely benign. Review status: criteria provided, multiple submitters, no conflicts (2 of 4 stars). 3 submissions from 3 submitters: Benign (1); Likely benign (1). 1 of the submissions does not count toward it. Last evaluated 2025-12-30.

Conditions:
CUL7-related disorder. Also called: CUL7-related condition.

Allele frequency attached by ClinVar (database versions not stated): ExAC 0.00013; gnomAD 0.00017 and 0.00019; gnomAD exomes 0.00019 and 0.00012; 1000 Genomes Project 0.00020; 1000 Genomes Project 30x 0.00031; TOPMed 0.00031.
gnomAD v4.1: 221 of 1,614,168 alleles (0.014%); highest among the groups gnomAD compares: Middle Eastern, 0.16%; 2 homozygotes.

Submissions (3):

Labcorp Genetics (formerly Invitae), Labcorp
Classification: Benign. Last evaluated: 2025-12-30. Review status: criteria provided, single submitter. Criteria: Invitae Variant Classification Sherloc (09022015). Collection method: clinical testing. Allele origin: germline.

Blueprint Genetics
Classification: Likely benign. Last evaluated: 2024-10-25. Review status: criteria provided, single submitter. Criteria: ACMG Guidelines, 2015. Collection method: clinical testing. Allele origin: germline.

PreventionGenetics, part of Exact Sciences
Classification: Likely benign for CUL7-related condition. Last evaluated: 2019-09-05. Review status: no assertion criteria provided. Collection method: clinical testing. Allele origin: germline. Not counted in ClinVar's aggregate classification.
Comment: This variant is classified as likely benign based on ACMG/AMP sequence variant interpretation guidelines (Richards et al. 2015 PMID: 25741868, with internal and published modifications).